The following is an entry in ClinVar:

ClinVar aggregate classification (germline): Pathogenic (1 of 4 stars; one submission).

Conditions:
Chromosome 16q22 deletion syndrome. Identifiers: Orphanet 658540, MedGen C3281152, MONDO:0013798, OMIM 614541.

Submission:

Bertuch Lab, Baylor College of Medicine
Classification: Pathogenic for Chromosome 16q22 deletion syndrome. Review status: criteria provided, single submitter. Criteria: ACMG Guidelines, 2015. Collection method: clinical testing. Allele origin: de novo. Inheritance: Sporadic. Affected: yes. Observed: 1 hemizygote.
Comment: This structural variant results in whole gene deletion of CARMIL2, ACD, PARD6A, ENKD1, C16orf86, and GFOD2, as well as partial deletion of CTCF and RANBP10. When heterozygous, this chromosomal deletion resulted in chr16q22.1 microdeletion syndrome, with phenotypes of developmental delay, poor growth, facial dysmorphism, and hypotonia.

Single allele

Genes: ACD (ACD shelterin complex subunit and telomerase recruitment factor; minus strand), C16orf86 (chromosome 16 open reading frame 86; plus strand), CARMIL2 (capping protein regulator and myosin 1 linker 2; plus strand), CTCF (CCCTC-binding factor; plus strand), ENKD1 (enkurin domain containing 1; minus strand) and 3 more. Cytogenetic location: 16q22.1.
Variant type: Deletion.
Identifiers: ClinVar variation 992641 (VCV000992641.3).